The following is an entry in ClinVar:

ClinVar aggregate classification (germline): Likely benign. Review status: criteria provided, multiple submitters, no conflicts (2 of 4 stars). 3 submissions from 3 submitters: Likely benign (3). Last evaluated 2026-04-07.

Conditions:
DYNC2I2-related disorder. Also called: DYNC2I2-related condition.
Short-rib thoracic dysplasia 11 with or without polydactyly (SRTD11). Also called: SHORT-RIB THORACIC DYSPLASIA 11 WITHOUT POLYDACTYLY. Identifiers: Orphanet 474, Orphanet 93271, MedGen C3810200, MONDO:0014287, OMIM 615633.

Allele frequency attached by ClinVar (database versions not stated): TOPMed 0.00012; gnomAD 0.00014 and 0.00015; gnomAD exomes 0.00016 and 0.00017; ExAC 0.00017.
gnomAD v4.1: 255 of 1,612,726 alleles (0.016%); highest among the groups gnomAD compares: Middle Eastern, 0.017%; no homozygotes.

Submissions (3):

PreventionGenetics, part of Exact Sciences
Classification: Likely benign for DYNC2I2-related condition. Last evaluated: 2026-04-07. Review status: criteria provided, single submitter. Criteria: ACMG Guidelines, 2015. Collection method: clinical testing. Allele origin: germline.
Comment: This variant is classified as likely benign based on ACMG/AMP sequence variant interpretation guidelines (Richards et al. 2015 PMID: 25741868, with internal and published modifications).

Labcorp Genetics (formerly Invitae), Labcorp
Classification: Likely benign for Short-rib thoracic dysplasia 11 with or without polydactyly. Last evaluated: 2026-01-05. Review status: criteria provided, single submitter. Criteria: Invitae Variant Classification Sherloc (09022015). Collection method: clinical testing. Allele origin: germline.

Blueprint Genetics
Classification: Likely benign. Last evaluated: 2024-09-20. Review status: criteria provided, single submitter. Criteria: ACMG Guidelines, 2015. Collection method: clinical testing. Allele origin: germline.

NM_052844.4(DYNC2I2):c.1605G>A (p.Ala535=)

Gene: DYNC2I2 (dynein 2 intermediate chain 2; minus strand). Cytogenetic location: 9q34.11.
Variant type: single nucleotide variant.
Coding change: c.1605G>A on transcript NM_052844.4 (MANE Select); coding-DNA position 1605, G replaced by A.
Protein change: p.Ala535=; no amino-acid change (alanine 535 retained).
Molecular consequence: synonymous variant.
Genome position (GRCh38, 1-based): chr9:128,633,750, C>T on the plus strand (G>A on the coding strand, the complement: DYNC2I2 is on the minus strand). VCF-style: chr9-128633750-C-T. GRCh37 (hg19) VCF-style: chr9-131396029-C-T.
Identifiers: ClinVar variation 771096 (VCV000771096.11), dbSNP rs772894632, ClinGen allele CA5266145.